The following is an entry in ClinVar:

NM_025074.7(FRAS1):c.7466A>G (p.His2489Arg)

Gene: FRAS1 (Fraser extracellular matrix complex subunit 1; plus strand). Cytogenetic location: 4q21.21.
Variant type: single nucleotide variant.
Coding change: c.7466A>G on transcript NM_025074.7 (MANE Select); coding-DNA position 7466, A replaced by G.
Protein change: p.His2489Arg; replaces histidine 2489 with arginine.
Molecular consequence: missense variant.
Genome position (GRCh38, 1-based): chr4:78,472,274, A>G. VCF-style: chr4-78472274-A-G. GRCh37 (hg19) VCF-style: chr4-79393428-A-G.
Other names: short protein forms H2489R.
Identifiers: ClinVar variation 1360104 (VCV001360104.5), dbSNP rs769934453, ClinGen allele CA2978106.
Genomic context (GRCh38, chr4:78,472,274, plus strand): 5'-CCATGGACCCAGACACCGAGGACGCGCAGCTTGTCTATGAGATAACGACGGGCCCTAAGC[A>G]TGGCTTTGTGGAGAACAAGCTGCAGCCTGGCAGAGCTGCTGCCACTTTCACCCAGGGTGG-3'
Protein context (NP_079350.5, residues 2479-2499): LVYEITTGPK[His2489Arg]GFVENKLQPG

ClinVar aggregate classification (germline): Uncertain significance (1 of 4 stars; one submission).

Allele frequency attached by ClinVar (database versions not stated): ExAC 0.00001; gnomAD 0.00001; gnomAD exomes 0.00001; TOPMed 0.00001.
gnomAD v4.1: 5 of 1,613,228 alleles (0.00031%); highest among the groups gnomAD compares: East Asian, 0.0089%; no homozygotes.

Submission:

Labcorp Genetics (formerly Invitae), Labcorp
Classification: Uncertain significance. Last evaluated: 2021-08-31. Review status: criteria provided, single submitter. Criteria: Invitae Variant Classification Sherloc (09022015). Collection method: clinical testing. Allele origin: germline.
Comment: This sequence change replaces histidine with arginine at codon 2489 of the FRAS1 protein (p.His2489Arg). The histidine residue is highly conserved and there is a small physicochemical difference between histidine and arginine. This variant is present in population databases (rs769934453, ExAC 0.01%). This variant has not been reported in the literature in individuals affected with FRAS1-related conditions. Algorithms developed to predict the effect of missense changes on protein structure and function are either unavailable or do not agree on the potential impact of this missense change (SIFT: "Deleterious"; PolyPhen-2: "Benign"; Align-GVGD: "Class C0"). In summary, the available evidence is currently insufficient to determine the role of this variant in disease. Therefore, it has been classified as a Variant of Uncertain Significance.